The following is an entry in ClinVar:

ClinVar aggregate classification (germline): Uncertain significance (1 of 4 stars; one submission).

Conditions:
Galactosylceramide beta-galactosidase deficiency. Also called: GALACTOCEREBROSIDASE DEFICIENCY; GALC DEFICIENCY; GLOBOID CELL LEUKOENCEPHALOPATHY; Leukodystrophy, Globoid Cell; Krabbe Disease. Identifiers: Orphanet 487, MedGen C0023521, MONDO:0009499, OMIM 245200.

Submission:

Labcorp Genetics (formerly Invitae), Labcorp
Classification: Uncertain significance for Galactosylceramide beta-galactosidase deficiency. Last evaluated: 2022-07-11. Review status: criteria provided, single submitter. Criteria: Invitae Variant Classification Sherloc (09022015). Collection method: clinical testing. Allele origin: germline.
Comment: In summary, the available evidence is currently insufficient to determine the role of this variant in disease. Therefore, it has been classified as a Variant of Uncertain Significance. Advanced modeling of protein sequence and biophysical properties (such as structural, functional, and spatial information, amino acid conservation, physicochemical variation, residue mobility, and thermodynamic stability) performed at Invitae indicates that this missense variant is not expected to disrupt GALC protein function. ClinVar contains an entry for this variant (Variation ID: 1521897). This variant has not been reported in the literature in individuals affected with GALC-related conditions. This variant is not present in population databases (gnomAD no frequency). This sequence change replaces asparagine, which is neutral and polar, with aspartic acid, which is acidic and polar, at codon 228 of the GALC protein (p.Asn228Asp).

NM_000153.4(GALC):c.682A>G (p.Asn228Asp)

Gene: GALC (galactosylceramidase; minus strand). Cytogenetic location: 14q31.3.
Variant type: single nucleotide variant.
Coding change: c.682A>G on transcript NM_000153.4 (MANE Select); coding-DNA position 682, A replaced by G.
Protein change: p.Asn228Asp; replaces asparagine 228 with aspartic acid.
Molecular consequence: missense variant.
Genome position (GRCh38, 1-based): chr14:87,976,428, T>C on the plus strand (A>G on the coding strand, the complement: GALC is on the minus strand). VCF-style: chr14-87976428-T-C. GRCh37 (hg19) VCF-style: chr14-88442772-T-C.
Other names: c.613A>G, p.Asn205Asp (NM_001201401.2); c.604A>G, p.Asn202Asp (NM_001201402.2); short protein forms N202D, N205D, N228D.
Identifiers: ClinVar variation 1521897 (VCV001521897.6), dbSNP rs2140016299, ClinGen allele CA390749549.